The following is an entry in ClinVar:

ClinVar aggregate classification (germline): Uncertain significance. Review status: criteria provided, multiple submitters, no conflicts (2 of 4 stars). 3 submissions from 3 submitters: Uncertain significance (3). Last evaluated 2026-03-01.

Conditions:
Hyperplastic polyposis syndrome. Identifiers: Orphanet 157798, MedGen C4296896, MONDO:0015524.

Allele frequency attached by ClinVar (database versions not stated): gnomAD 0.00002; gnomAD exomes 0.00002; TOPMed 0.00002; ExAC 0.00003.
gnomAD v4.1: 34 of 1,609,382 alleles (0.0021%); highest among the groups gnomAD compares: Non-Finnish European, 0.0027%; no homozygotes.

Submissions (3):

CeGaT Center for Human Genetics Tuebingen
Classification: Uncertain significance. Last evaluated: 2026-03-01. Review status: criteria provided, single submitter. Criteria: CeGaT Center For Human Genetics Tuebingen Variant Classification Criteria Version 2. Collection method: clinical testing. Allele origin: germline. Affected: yes. Observed: 1 variant allele.
Comment: RNF43: PM2:Supporting, BP4

Labcorp Genetics (formerly Invitae), Labcorp
Classification: Uncertain significance. Last evaluated: 2024-07-01. Review status: criteria provided, single submitter. Criteria: Invitae Variant Classification Sherloc (09022015). Collection method: clinical testing. Allele origin: germline.
Comment: This sequence change replaces serine, which is neutral and polar, with asparagine, which is neutral and polar, at codon 227 of the RNF43 protein (p.Ser227Asn). This variant is present in population databases (rs753641688, gnomAD 0.004%). This variant has not been reported in the literature in individuals affected with RNF43-related conditions. ClinVar contains an entry for this variant (Variation ID: 933701). Algorithms developed to predict the effect of missense changes on protein structure and function output the following: SIFT: "Not Available"; PolyPhen-2: "Benign"; Align-GVGD: "Not Available". The asparagine amino acid residue is found in multiple mammalian species, which suggests that this missense change does not adversely affect protein function. In summary, the available evidence is currently insufficient to determine the role of this variant in disease. Therefore, it has been classified as a Variant of Uncertain Significance.

Department of Pathology and Laboratory Medicine, Sinai Health System
Classification: Uncertain significance for Hyperplastic polyposis syndrome. Last evaluated: 2022-10-12. Review status: criteria provided, single submitter. Criteria: ACMG Guidelines, 2015. Collection method: clinical testing. Allele origin: germline. Affected: yes.

NM_017763.6(RNF43):c.680G>A (p.Ser227Asn)

Gene: RNF43 (ring finger protein 43; minus strand). Cytogenetic location: 17q22.
Variant type: single nucleotide variant.
Coding change: c.680G>A on transcript NM_017763.6 (MANE Select); coding-DNA position 680, G replaced by A.
Protein change: p.Ser227Asn; replaces serine 227 with asparagine.
Molecular consequence: missense variant.
Genome position (GRCh38, 1-based): chr17:58,362,551, C>T on the plus strand (G>A on the coding strand, the complement: RNF43 is on the minus strand). VCF-style: chr17-58362551-C-T. GRCh37 (hg19) VCF-style: chr17-56439912-C-T.
Other names: c.680G>A, p.Ser227Asn (NM_001305544.3); c.299G>A, p.Ser100Asn (NM_001305545.2); short protein forms S100N, S227N.
Identifiers: ClinVar variation 933701 (VCV000933701.12), dbSNP rs753641688, ClinGen allele CA8673346.
Genomic context (GRCh38, chr17:58,362,551, plus strand): 5'-CCACCCACACACACGCACACGTTCACCGCCGCCAAAGACCCCACACTGCTCACCGGCCTG[C>T]TGTGGCGGGGGCGGCACCGGATGCGCAGCACCGAAGCCAGGATGATCACAAAGATGGTGC-3'
Protein context (NP_060233.3, residues 217-237): VLRIRCRPRH[Ser227Asn]RPDPLQQRTA